The following is an entry in ClinVar:

NM_001458.5(FLNC):c.352+8C>G

Gene: FLNC (filamin C; plus strand). Cytogenetic location: 7q32.1.
Variant type: single nucleotide variant.
Coding change: c.352+8C>G on transcript NM_001458.5 (MANE Select); 8 bases into the intron after coding-DNA position 352, C replaced by G.
Molecular consequence: intron variant.
Genome position (GRCh38, 1-based): chr7:128,830,997, C>G. VCF-style: chr7-128830997-C-G. GRCh37 (hg19) VCF-style: chr7-128471051-C-G.
Other names: p.?; c.352+8C>G (NM_001127487.2).
Identifiers: ClinVar variation 385888 (VCV000385888.18), dbSNP rs780084616, ClinGen allele CA4474002.

ClinVar aggregate classification (germline): Likely benign. Review status: criteria provided, multiple submitters, no conflicts (2 of 4 stars). 6 submissions from 6 submitters: Likely benign (5). 1 of the submissions does not count toward it. Last evaluated 2026-04-01.

Conditions:
FLNC-related disorder. Also called: FLNC-related condition; FLNC-related disorders.
Hypertrophic cardiomyopathy 26. Also called: Cardiomyopathy, familial hypertrophic, 26. Identifiers: Orphanet 75249, MedGen C4310749, MONDO:0014883, OMIM 617047.
Distal myopathy with posterior leg and anterior hand involvement. Also called: WILLIAMS DISTAL MYOPATHY. Identifiers: Orphanet 63273, MedGen C3279722, MONDO:0013550, OMIM 614065.
Myofibrillar myopathy 5. Also called: FILAMINOPATHY, AUTOSOMAL DOMINANT; Filaminopathy (type). Identifiers: Orphanet 171445, MedGen C1836050, MONDO:0012289, OMIM 609524.

Allele frequency attached by ClinVar (database versions not stated): gnomAD 0.00005 and 0.00006; TOPMed 0.00006; gnomAD exomes 0.00008; ExAC 0.00010.
gnomAD v4.1: 88 of 1,603,826 alleles (0.0055%); highest among the groups gnomAD compares: Non-Finnish European, 0.0064%; no homozygotes.

Submissions (6):

CeGaT Center for Human Genetics Tuebingen
Classification: Likely benign. Last evaluated: 2026-04-01. Review status: criteria provided, single submitter. Criteria: CeGaT Center For Human Genetics Tuebingen Variant Classification Criteria Version 2. Collection method: clinical testing. Allele origin: germline. Affected: yes. Observed: 1 variant allele.
Comment: FLNC: BP4

Labcorp Genetics (formerly Invitae), Labcorp
Classification: Likely benign for Distal myopathy with posterior leg and anterior hand involvement; Myofibrillar myopathy 5; Hypertrophic cardiomyopathy 26. Last evaluated: 2026-02-02. Review status: criteria provided, single submitter. Criteria: Invitae Variant Classification Sherloc (09022015). Collection method: clinical testing. Allele origin: germline.

Mayo Clinic Laboratories, Mayo Clinic
Classification: Likely benign. Last evaluated: 2025-03-04. Review status: criteria provided, single submitter. Criteria: ACMG Guidelines, 2015. Collection method: clinical testing. Allele origin: germline. Observed: 1 variant allele.
Comment: BP4, BP7

Blueprint Genetics
Classification: Likely benign. Last evaluated: 2024-10-17. Review status: criteria provided, single submitter. Criteria: ACMG Guidelines, 2015. Collection method: clinical testing. Allele origin: germline.

GeneDx
Classification: Likely benign. Last evaluated: 2016-05-19. Review status: criteria provided, single submitter. Criteria: GeneDx Variant Classification (06012015). Collection method: clinical testing. Allele origin: germline. Affected: yes.
Comment: This variant is considered likely benign or benign based on one or more of the following criteria: it is a conservative change, it occurs at a poorly conserved position in the protein, it is predicted to be benign by multiple in silico algorithms, and/or has population frequency not consistent with disease.

PreventionGenetics, part of Exact Sciences
Classification: Likely benign for FLNC-related condition. Last evaluated: 2020-04-13. Review status: no assertion criteria provided. Collection method: clinical testing. Allele origin: germline. Not counted in ClinVar's aggregate classification.
Comment: This variant is classified as likely benign based on ACMG/AMP sequence variant interpretation guidelines (Richards et al. 2015 PMID: 25741868, with internal and published modifications).